The following is an entry in ClinVar:

NM_001330288.2(SMARCC2):c.3061C>G (p.Pro1021Ala)

Gene: SMARCC2 (SWI/SNF related BAF chromatin remodeling complex subunit C2; minus strand). Cytogenetic location: 12q13.2.
Variant type: single nucleotide variant.
Coding change: c.3061C>G on transcript NM_001330288.2 (MANE Select); coding-DNA position 3061, C replaced by G.
Protein change: p.Pro1021Ala; replaces proline 1021 with alanine.
Molecular consequence: missense variant.
Genome position (GRCh38, 1-based): chr12:56,165,489, G>C on the plus strand (C>G on the coding strand, the complement: SMARCC2 is on the minus strand). VCF-style: chr12-56165489-G-C. GRCh37 (hg19) VCF-style: chr12-56559273-G-C.
Other names: c.3061C>G, p.Pro1021Ala (NM_001130420.3, NM_139067.4); c.2968C>G, p.Pro990Ala (NM_003075.5); short protein forms P1021A, P990A.
Identifiers: ClinVar variation 4882867 (VCV004882867.2).

ClinVar aggregate classification (germline): Uncertain significance (1 of 4 stars; one submission).

gnomAD v4.1: 2 of 1,576,728 alleles (0.00013%); highest among the groups gnomAD compares: Non-Finnish European, 0.00017%; no homozygotes.

Submission:

Dasa
Classification: Uncertain significance. Last evaluated: 2025-06-19. Review status: criteria provided, single submitter. Criteria: DASA Assertion Criteria. Collection method: clinical testing. Allele origin: germline.
Comment: NM_001330288.2(SMARCC2):c.3061C>G (p.Pro1021Ala) is a missense variant that results in the substitution of proline with alanine. This variant is rare in population databases. Computational prediction algorithms are consistent with a benign effect. The currently available literature and clinical evidence are not sufficient to establish a definitive association between this variant and the reported condition. Therefore, this variant is classified as a variant of uncertain significance.